The following is an entry in ClinVar:

NM_002471.4(MYH6):c.4504C>T (p.Arg1502Trp)

Gene: MYH6 (myosin heavy chain 6; minus strand). Cytogenetic location: 14q11.2.
Variant type: single nucleotide variant.
Coding change: c.4504C>T on transcript NM_002471.4 (MANE Select); coding-DNA position 4504, C replaced by T.
Protein change: p.Arg1502Trp; replaces arginine 1502 with tryptophan.
Molecular consequence: missense variant.
Genome position (GRCh38, 1-based): chr14:23,387,779, G>A on the plus strand (C>T on the coding strand, the complement: MYH6 is on the minus strand). VCF-style: chr14-23387779-G-A. GRCh37 (hg19) VCF-style: chr14-23856988-G-A.
Other names: c.4504C>T (NM_002471.3); short protein forms R1502W.
Identifiers: ClinVar variation 1677447 (VCV001677447.9), dbSNP rs773631723, ClinGen allele CA7114749.

ClinVar aggregate classification (germline): Uncertain significance. Review status: criteria provided, multiple submitters, no conflicts (2 of 4 stars). 4 submissions from 4 submitters: Uncertain significance (4). Last evaluated 2026-01-06.

Conditions:
MYH6-related disorder. Also called: MYH6-related condition; MYH6-Related Disorders.
Hypertrophic cardiomyopathy 14. Identifiers: MedGen C2750467, MONDO:0013197, OMIM 613251.

gnomAD v4.1: 10 of 1,613,972 alleles (0.00062%); highest among the groups gnomAD compares: East Asian, 0.0089%; no homozygotes.

Submissions (4):

Labcorp Genetics (formerly Invitae), Labcorp
Classification: Uncertain significance for Hypertrophic cardiomyopathy 14. Last evaluated: 2026-01-06. Review status: criteria provided, single submitter. Criteria: Invitae Variant Classification Sherloc (09022015). Collection method: clinical testing. Allele origin: germline.
Comment: This sequence change replaces arginine, which is basic and polar, with tryptophan, which is neutral and slightly polar, at codon 1502 of the MYH6 protein (p.Arg1502Trp). This variant is present in population databases (rs773631723, gnomAD 0.0009%). This variant has not been reported in the literature in individuals affected with MYH6-related conditions. ClinVar contains an entry for this variant (Variation ID: 1677447). Invitae Evidence Modeling of protein sequence and biophysical properties (such as structural, functional, and spatial information, amino acid conservation, physicochemical variation, residue mobility, and thermodynamic stability) indicates that this missense variant is expected to disrupt MYH6 protein function with a positive predictive value of 80%. In summary, the available evidence is currently insufficient to determine the role of this variant in disease. Therefore, it has been classified as a Variant of Uncertain Significance.

GeneDx
Classification: Uncertain significance. Last evaluated: 2025-05-29. Review status: criteria provided, single submitter. Criteria: GeneDx Variant Classification Process June 2021. Collection method: clinical testing. Allele origin: germline. Affected: yes.
Comment: Reported in one patient with sudden unexplained nocturnal death syndrome; additional cardiogenetic variants were also identified (PMID: 27707468); Not observed at significant frequency in large population cohorts (gnomAD); In silico analysis supports that this missense variant has a deleterious effect on protein structure/function; This variant is associated with the following publications: (PMID: 27707468)

PreventionGenetics, part of Exact Sciences
Classification: Uncertain significance for MYH6-related condition. Last evaluated: 2023-05-08. Review status: criteria provided, single submitter. Criteria: ACMG Guidelines, 2015. Collection method: clinical testing. Allele origin: germline.
Comment: The MYH6 c.4504C>T variant is predicted to result in the amino acid substitution p.Arg1502Trp. This variant was reported in an individual with sudden unexplained nocturnal death syndrome; however, this individual also harbored additional variants in genes associated with cardiomyopathy or Brugada syndrome (Zhang et al. 2016. PubMed ID: 27707468). This variant is reported in 0.00088% of alleles in individuals of European (Non-Finnish) descent in gnomAD. At this time, the clinical significance of this variant is uncertain due to the absence of conclusive functional and genetic evidence.

AiLife Diagnostics
Classification: Uncertain significance. Last evaluated: 2021-08-11. Review status: criteria provided, single submitter. Criteria: ACMG Guidelines, 2015. Collection method: clinical testing. Allele origin: germline. Affected: yes. Observed: 1 variant allele.